The following is an entry in ClinVar:

NM_000147.5(FUCA1):c.916T>C (p.Tyr306His)

Gene: FUCA1 (alpha-L-fucosidase 1; minus strand). Cytogenetic location: 1p36.11.
Variant type: single nucleotide variant.
Coding change: c.916T>C on transcript NM_000147.5 (MANE Select); coding-DNA position 916, T replaced by C.
Protein change: p.Tyr306His; replaces tyrosine 306 with histidine.
Molecular consequence: missense variant. On other transcripts: non-coding transcript variant (4).
Genome position (GRCh38, 1-based): chr1:23,854,413, A>G on the plus strand (T>C on the coding strand, the complement: FUCA1 is on the minus strand). VCF-style: chr1-23854413-A-G. GRCh37 (hg19) VCF-style: chr1-24180903-A-G.
Other names: p.Tyr306His; short protein forms Y306H.
Identifiers: ClinVar variation 4540870 (VCV004540870.1).
Genomic context (GRCh38, chr1:23,854,413, plus strand): 5'-CTCTTACCGAAATGATTTCAGATTCTTCTGTAACATCAGACAATGCCATGTCACGACGAT[A>G]GCCCCAGGAAAACTTGTCAATGCTGGTGCACATCTCCCACTTGTGATCTGGCAAGCTCTG-3'
Protein context (NP_000138.2, residues 296-316): CTSIDKFSWG[Tyr306His]RRDMALSDVT

ClinVar aggregate classification (germline): Uncertain significance (1 of 4 stars; one submission).

gnomAD v4.1: 2 of 1,613,992 alleles (0.00012%); highest among the groups gnomAD compares: African/African-American, 0.0013%; no homozygotes.

Submission:

Mayo Clinic Laboratories, Mayo Clinic
Classification: Uncertain significance. Last evaluated: 2024-12-30. Review status: criteria provided, single submitter. Criteria: ACMG Guidelines, 2015. Collection method: clinical testing. Allele origin: germline. Observed: 1 variant allele.
Comment: PP3_moderate, PM2_supporting